The following is an entry in ClinVar:

NM_007294.4(BRCA1):c.5278-3C>G

Gene: BRCA1 (BRCA1 DNA repair associated; minus strand). Cytogenetic location: 17q21.31.
Variant type: single nucleotide variant.
Coding change: c.5278-3C>G on transcript NM_007294.4 (MANE Select); 3 bases into the intron before coding-DNA position 5278, C replaced by G.
Molecular consequence: intron variant.
Genome position (GRCh38, 1-based): chr17:43,051,120, G>C on the plus strand (C>G on the coding strand, the complement: BRCA1 is on the minus strand). VCF-style: chr17-43051120-G-C. GRCh37 (hg19) VCF-style: chr17-41203137-G-C.
Other names: c.1963-3C>G (NM_001408398.1, NM_001408400.1, NM_001408392.1 and 8 more transcripts); c.1966-3C>G (NM_001407992.1, NM_001407981.1, NM_007298.4 and 12 more transcripts); c.5272-3C>G (NM_001407629.1, NM_001407636.1, NM_001407639.1 and 14 more transcripts); c.5275-3C>G (NM_001407612.1, NM_001407859.1, NM_001407620.1 and 17 more transcripts); c.1843-3C>G (NM_001408440.1, NM_001408433.1, NM_001408441.1 and 10 more transcripts); c.1846-3C>G (NM_001408428.1, NM_001408429.1, NM_001408426.1 and 4 more transcripts); c.5152-3C>G (NM_001407678.1, NM_001407673.1, NM_001407674.1 and 10 more transcripts); c.5155-3C>G (NM_001407666.1, NM_001407937.1, NM_001407669.1 and 5 more transcripts); and 74 more.
Identifiers: ClinVar variation 867950 (VCV000867950.3), dbSNP rs786203963, ClinGen allele CA916081047.

Conditions:
Breast-ovarian cancer, familial, susceptibility to, 1 (BROVCA1). Also called: BRCA1 Hereditary Breast and Ovarian Cancer; OVARIAN CANCER, SUSCEPTIBILITY TO. Identifiers: Orphanet 145, MedGen C2676676, MONDO:0011450, OMIM 604370. Disease mechanism: loss of function.

Submission:

Brotman Baty Institute, University of Washington
No classification provided (evidence only). Condition: Breast-ovarian cancer, familial 1. Review status: no classification provided. Collection method: in vitro. Allele origin: not applicable. Functional consequence: functionally_abnormal.
ClinVar note: "not provided" was previously submitted as the classification for the variant. However, the classification appeared to be based only on an observation of functional data so it was converted to no classification on 2025-07-30.